The following is an entry in ClinVar:

ClinVar aggregate classification (germline): Likely benign (1 of 4 stars; one submission).

Allele frequency attached by ClinVar (database versions not stated): ExAC 0.00002; gnomAD 0.00002; gnomAD exomes below 0.00001; TOPMed 0.00001 and 0.00002; ESP Exome Variant Server 0.00008.
gnomAD v4.1: 9 of 1,614,066 alleles (0.00056%); highest among the groups gnomAD compares: Non-Finnish European, 0.00034%; no homozygotes.

Submission:

GeneDx
Classification: Likely benign. Last evaluated: 2016-08-30. Review status: criteria provided, single submitter. Criteria: GeneDx Variant Classification (06012015). Collection method: clinical testing. Allele origin: germline. Affected: yes.
Comment: This variant is considered likely benign or benign based on one or more of the following criteria: it is a conservative change, it occurs at a poorly conserved position in the protein, it is predicted to be benign by multiple in silico algorithms, and/or has population frequency not consistent with disease.

NM_016065.4(MRPS16):c.63T>C (p.Leu21=)

Genes: MRPS16 (mitochondrial ribosomal protein S16; minus strand), DNAJC9-AS1 (DNAJC9 and MRPS16 antisense RNA 1; plus strand). Cytogenetic location: 10q22.2.
Variant type: single nucleotide variant.
Coding change: c.63T>C on transcript NM_016065.4 (MANE Select); coding-DNA position 63, T replaced by C.
Protein change: p.Leu21=; no amino-acid change (leucine 21 retained).
Molecular consequence: synonymous variant.
Genome position (GRCh38, 1-based): chr10:73,251,974, A>G on the plus strand (T>C on the coding strand, the complement: MRPS16 is on the minus strand). VCF-style: chr10-73251974-A-G. GRCh37 (hg19) VCF-style: chr10-75011732-A-G.
Identifiers: ClinVar variation 300721 (VCV000300721.1), dbSNP rs376338190, ClinGen allele CA5553423.